The following is an entry in ClinVar:

NM_016592.5(GNAS):c.611C>T (p.Pro204Leu)

Genes: GNAS (GNAS complex locus; plus strand), GNAS-AS1 (GNAS antisense RNA 1; minus strand). Cytogenetic location: 20q13.32.
Variant type: single nucleotide variant.
Coding change: c.611C>T on transcript NM_016592.5 (MANE Plus Clinical); coding-DNA position 611, C replaced by T.
Protein change: p.Pro204Leu; replaces proline 204 with leucine.
Molecular consequence: missense variant. On other transcripts: 5 prime UTR variant (1).
Genome position (GRCh38, 1-based): chr20:58,840,717, C>T. VCF-style: chr20-58840717-C-T. GRCh37 (hg19) VCF-style: chr20-57415772-C-T.
Other names: c.-127C>T (NM_001410912.1); short protein forms P204L.
Identifiers: ClinVar variation 2631479 (VCV002631479.1), dbSNP rs2516260443, ClinGen allele CA409453002.

ClinVar aggregate classification (germline): Uncertain significance (1 of 4 stars; one submission).

Conditions:
GNAS-related disorder. Identifiers: MedGen CN380105.

Submission:

PreventionGenetics, part of Exact Sciences
Classification: Uncertain significance for GNAS-related condition. Last evaluated: 2023-07-11. Review status: criteria provided, single submitter. Criteria: ACMG Guidelines, 2015. Collection method: clinical testing. Allele origin: germline.
Comment: The GNAS c.611C>T variant is predicted to result in the amino acid substitution p.Pro204Leu. Of note, this variant is referred to as c.-51010C>T (Pre-Coding) in the more commonly reported transcript NM_000516. To our knowledge, this variant has not been reported in the literature or in a large population database, indicating this variant is rare. At this time, the clinical significance of this variant is uncertain due to the absence of conclusive functional and genetic evidence.